The following is an entry in ClinVar:

NM_153006.3(NAGS):c.721G>T (p.Val241Leu)

Gene: NAGS (N-acetylglutamate synthase; plus strand). Cytogenetic location: 17q21.31.
Variant type: single nucleotide variant.
Coding change: c.721G>T on transcript NM_153006.3 (MANE Select); coding-DNA position 721, G replaced by T.
Protein change: p.Val241Leu; replaces valine 241 with leucine.
Molecular consequence: missense variant.
Genome position (GRCh38, 1-based): chr17:44,006,043, G>T. VCF-style: chr17-44006043-G-T. GRCh37 (hg19) VCF-style: chr17-42083411-G-T.
Other names: c.721G>T (NM_153006.2); short protein forms V241L.
Identifiers: ClinVar variation 1493685 (VCV001493685.9), dbSNP rs899402990, ClinGen allele CA290852749.

ClinVar aggregate classification (germline): Uncertain significance. Review status: criteria provided, multiple submitters, no conflicts (2 of 4 stars). 2 submissions from 2 submitters: Uncertain significance (2). Last evaluated 2025-02-28.

Conditions:
Inborn genetic diseases. Identifiers: MedGen C0950123, MeSH D030342.
Hyperammonemia, type III (NAGSD). Also called: Hyperammonemia due to N-acetylglutamate synthase deficiency. Identifiers: Orphanet 927, MedGen C0268543, MONDO:0009377, OMIM 237310.

Allele frequency attached by ClinVar (database versions not stated): gnomAD exomes below 0.00001; gnomAD 0.00001.
gnomAD v4.1: 3 of 1,605,704 alleles (0.00019%); highest among the groups gnomAD compares: African/African-American, 0.0027%; no homozygotes.

Submissions (2):

Ambry Genetics
Classification: Uncertain significance for Inborn genetic diseases. Last evaluated: 2025-02-28. Review status: criteria provided, single submitter. Criteria: Ambry Variant Classification Scheme 2023. Collection method: clinical testing. Allele origin: germline.

Labcorp Genetics (formerly Invitae), Labcorp
Classification: Uncertain significance for Hyperammonemia, type III. Last evaluated: 2022-08-15. Review status: criteria provided, single submitter. Criteria: Invitae Variant Classification Sherloc (09022015). Collection method: clinical testing. Allele origin: germline.
Comment: This sequence change replaces valine, which is neutral and non-polar, with leucine, which is neutral and non-polar, at codon 241 of the NAGS protein (p.Val241Leu). This variant is present in population databases (no rsID available, gnomAD 0.01%). This variant has not been reported in the literature in individuals affected with NAGS-related conditions. ClinVar contains an entry for this variant (Variation ID: 1493685). Algorithms developed to predict the effect of missense changes on protein structure and function (SIFT, PolyPhen-2, Align-GVGD) all suggest that this variant is likely to be disruptive. In summary, the available evidence is currently insufficient to determine the role of this variant in disease. Therefore, it has been classified as a Variant of Uncertain Significance.